The following is an entry in ClinVar:

NM_000051.4(ATM):c.1362T>C (p.Tyr454=)

Gene: ATM (ATM serine/threonine kinase; plus strand). Cytogenetic location: 11q22.3.
Variant type: single nucleotide variant.
Coding change: c.1362T>C on transcript NM_000051.4 (MANE Select); coding-DNA position 1362, T replaced by C.
Protein change: p.Tyr454=; no amino-acid change (tyrosine 454 retained).
Molecular consequence: synonymous variant.
Genome position (GRCh38, 1-based): chr11:108,250,827, T>C. VCF-style: chr11-108250827-T-C. GRCh37 (hg19) VCF-style: chr11-108121554-T-C.
Other names: c.1362T>C, p.Tyr454= (NM_001351834.2).
Identifiers: ClinVar variation 482743 (VCV000482743.17), dbSNP rs1373614735, ClinGen allele CA476671945.
Genomic context (GRCh38, chr11:108,250,827, plus strand): 5'-ATTACTGATGATACTATCTCAGCTTCTACCCCAACAGCGACATGGGGAACGTACACCATA[T>C]GTGTTACGATGCCTTACGGAAGTTGCATTGTGTCAAGACAAGAGGTCAAACCTAGAAAGC-3'
Protein context (NP_000042.3, residues 444-464): PQQRHGERTP[Tyr454=]VLRCLTEVAL

ClinVar aggregate classification (germline): Benign/Likely benign. Review status: criteria provided, multiple submitters, no conflicts (2 of 4 stars). 4 submissions from 4 submitters: Benign (1); Likely benign (3). Last evaluated 2024-04-26.

Conditions:
Familial cancer of breast. Also called: BREAST CANCER, FAMILIAL; Hereditary breast cancer; hereditary breast carcinoma. Identifiers: Orphanet 227535, MedGen C0346153, MONDO:0016419, OMIM 114480. Disease mechanism: loss of function.
Hereditary cancer-predisposing syndrome. Also called: Hereditary neoplastic syndrome; Neoplastic Syndromes, Hereditary; Tumor predisposition; Hereditary Cancer Syndrome. Identifiers: Orphanet 140162, MedGen C0027672, MeSH D009386, MONDO:0015356.
Ataxia-telangiectasia syndrome (AT). Also called: LOUIS-BAR SYNDROME; Cerebello-oculocutaneous telangiectasia; Immunodeficiency with ataxia telangiectasia; AT, COMPLEMENTATION GROUP C; Ataxia-telangiectasia, complementation group D; ATAXIA-TELANGIECTASIA, COMPLEMENTATION GROUP A. Identifiers: Orphanet 100, MedGen C0004135, MONDO:0008840, OMIM 208900.

Allele frequency attached by ClinVar (database versions not stated): gnomAD exomes below 0.00001 and 0.00001.
gnomAD v4.1: 2 of 1,614,158 alleles (0.00012%); highest among the groups gnomAD compares: South Asian, 0.0011%; no homozygotes.

Submissions (4):

Myriad Genetics, Inc.
Classification: Benign for Familial cancer of breast. Last evaluated: 2024-04-26. Review status: criteria provided, single submitter. Criteria: Myriad Autosomal Dominant, Autosomal Recessive and X-Linked Classification Criteria (2023). Collection method: clinical testing. Allele origin: unknown.
Comment: This variant is considered benign. This variant is a silent/synonymous amino acid change and it is not expected to impact splicing.

Color Diagnostics, LLC DBA Color Health
Classification: Likely benign for Hereditary cancer-predisposing syndrome. Last evaluated: 2019-10-02. Review status: criteria provided, single submitter. Criteria: ACMG Guidelines, 2015. Collection method: clinical testing. Allele origin: germline.

Labcorp Genetics (formerly Invitae), Labcorp
Classification: Likely benign for Ataxia-telangiectasia syndrome. Last evaluated: 2019-08-14. Review status: criteria provided, single submitter. Criteria: Invitae Variant Classification Sherloc (09022015). Collection method: clinical testing. Allele origin: germline.

Ambry Genetics
Classification: Likely benign for Hereditary cancer-predisposing syndrome. Last evaluated: 2017-07-14. Review status: criteria provided, single submitter. Criteria: Ambry Variant Classification Scheme 2023. Collection method: clinical testing. Allele origin: germline.